The following is an entry in ClinVar:

ClinVar aggregate classification (germline): Uncertain significance. Review status: criteria provided, multiple submitters, no conflicts (2 of 4 stars). 2 submissions from 2 submitters: Uncertain significance (2). Last evaluated 2025-08-20.

Conditions:
Hereditary cancer-predisposing syndrome. Also called: Neoplastic Syndromes, Hereditary; Tumor predisposition; Hereditary Cancer Syndrome; Hereditary neoplastic syndrome. Identifiers: Orphanet 140162, MedGen C0027672, MeSH D009386, MONDO:0015356.
Hereditary nonpolyposis colorectal neoplasms. Identifiers: MedGen C0009405, MeSH D003123.

Submissions (2):

Ambry Genetics
Classification: Uncertain significance for Hereditary cancer-predisposing syndrome. Last evaluated: 2025-08-20. Review status: criteria provided, single submitter. Criteria: Ambry Variant Classification Scheme 2023. Collection method: clinical testing. Allele origin: germline.
Comment: The p.E228G variant (also known as c.683A>G), located in coding exon 4 of the MSH6 gene, results from an A to G substitution at nucleotide position 683. The glutamic acid at codon 228 is replaced by glycine, an amino acid with similar properties. This amino acid position is conserved. In addition, the in silico prediction for this alteration is inconclusive. Based on the available evidence, the clinical significance of this variant remains unclear.

Labcorp Genetics (formerly Invitae), Labcorp
Classification: Uncertain significance for Hereditary nonpolyposis colorectal neoplasms. Last evaluated: 2022-07-29. Review status: criteria provided, single submitter. Criteria: Invitae Variant Classification Sherloc (09022015). Collection method: clinical testing. Allele origin: germline.
Comment: Advanced modeling of protein sequence and biophysical properties (such as structural, functional, and spatial information, amino acid conservation, physicochemical variation, residue mobility, and thermodynamic stability) performed at Invitae indicates that this missense variant is not expected to disrupt MSH6 protein function. In summary, the available evidence is currently insufficient to determine the role of this variant in disease. Therefore, it has been classified as a Variant of Uncertain Significance. This variant has not been reported in the literature in individuals affected with MSH6-related conditions. This variant is not present in population databases (gnomAD no frequency). This sequence change replaces glutamic acid, which is acidic and polar, with glycine, which is neutral and non-polar, at codon 228 of the MSH6 protein (p.Glu228Gly).

NM_000179.3(MSH6):c.683A>G (p.Glu228Gly)

Gene: MSH6 (mutS homolog 6; plus strand). Cytogenetic location: 2p16.3.
Variant type: single nucleotide variant.
Coding change: c.683A>G on transcript NM_000179.3 (MANE Select); coding-DNA position 683, A replaced by G.
Protein change: p.Glu228Gly; replaces glutamic acid 228 with glycine.
Molecular consequence: missense variant. On other transcripts: 5 prime UTR variant (2).
Genome position (GRCh38, 1-based): chr2:47,798,666, A>G. VCF-style: chr2-47798666-A-G. GRCh37 (hg19) VCF-style: chr2-48025805-A-G.
Other names: c.293A>G, p.Glu98Gly (NM_001281492.2); c.-224A>G (NM_001281493.2, NM_001281494.2, NM_001406811.1 and 6 more transcripts); c.779A>G, p.Glu260Gly (NM_001406795.1, NM_001406802.1); c.683A>G, p.Glu228Gly (NM_001406796.1, NM_001406798.1, NM_001406800.1 and 4 more transcripts); c.386A>G, p.Glu129Gly (NM_001406797.1, NM_001406801.1, NM_001406805.1 and 10 more transcripts); c.158A>G, p.Glu53Gly (NM_001406799.1, NM_001406806.1, NM_001406807.1); c.605A>G, p.Glu202Gly (NM_001406804.1); c.689A>G, p.Glu230Gly (NM_001406813.1); and 1 more; short protein forms E129G, E172G, E202G, E228G, E230G, E260G, E53G, E98G.
Identifiers: ClinVar variation 1714291 (VCV001714291.7), dbSNP rs2104290876, ClinGen allele CA346739894.